The following is an entry in ClinVar:

ClinVar aggregate classification (germline): Conflicting classifications of pathogenicity. Review status: criteria provided, conflicting classifications (1 of 4 stars). 2 submissions from 2 submitters: Uncertain significance (1); Likely benign (1). Last evaluated 2025-05-24.

Conditions:
OAT-related disorder. Also called: OAT-related condition.
Ornithine aminotransferase deficiency (GACR). Also called: Ornithine ketoacid aminotransferase deficiency; Gyrate atrophy; Gyrate atrophy of choroid and retina; Girate atrophy of the retina; HYPERORNITHINEMIA WITH GYRATE ATROPHY OF CHOROID AND RETINA; OAT DEFICIENCY. Identifiers: Orphanet 414, MedGen C0018425, MONDO:0009796, OMIM 258870.

Allele frequency attached by ClinVar (database versions not stated): ExAC 0.00002; gnomAD 0.00003; gnomAD exomes 0.00003 and 0.00006; ESP Exome Variant Server 0.00008.
gnomAD v4.1: 96 of 1,601,482 alleles (0.006%); highest among the groups gnomAD compares: Non-Finnish European, 0.008%; no homozygotes.

Submissions (2):

PreventionGenetics, part of Exact Sciences
Classification: Likely benign for OAT-related condition. Last evaluated: 2025-05-24. Review status: criteria provided, single submitter. Criteria: ACMG Guidelines, 2015. Collection method: clinical testing. Allele origin: germline.
Comment: This variant is classified as likely benign based on ACMG/AMP sequence variant interpretation guidelines (Richards et al. 2015 PMID: 25741868, with internal and published modifications).

Labcorp Genetics (formerly Invitae), Labcorp
Classification: Uncertain significance for Ornithine aminotransferase deficiency. Last evaluated: 2022-02-05. Review status: criteria provided, single submitter. Criteria: Invitae Variant Classification Sherloc (09022015). Collection method: clinical testing. Allele origin: germline.
Comment: This sequence change falls in intron 7 of the OAT gene. It does not directly change the encoded amino acid sequence of the OAT protein. It affects a nucleotide within the consensus splice site. This variant is present in population databases (rs371484835, gnomAD 0.006%). This variant has not been reported in the literature in individuals affected with OAT-related conditions. Variants that disrupt the consensus splice site are a relatively common cause of aberrant splicing (PMID: 17576681, 9536098). Algorithms developed to predict the effect of sequence changes on RNA splicing suggest that this variant is not likely to affect RNA splicing. In summary, the available evidence is currently insufficient to determine the role of this variant in disease. Therefore, it has been classified as a Variant of Uncertain Significance.

Literature cited by the submitters: PubMed 17576681 (cited by Labcorp Genetics (formerly Invitae), Labcorp); PubMed 9536098 (cited by Labcorp Genetics (formerly Invitae), Labcorp).

NM_000274.4(OAT):c.901-3C>T

Gene: OAT (ornithine aminotransferase; minus strand). Cytogenetic location: 10q26.13.
Variant type: single nucleotide variant.
Coding change: c.901-3C>T on transcript NM_000274.4 (MANE Select); 3 bases into the intron before coding-DNA position 901, C replaced by T.
Molecular consequence: intron variant.
Genome position (GRCh38, 1-based): chr10:124,401,842, G>A on the plus strand (C>T on the coding strand, the complement: OAT is on the minus strand). VCF-style: chr10-124401842-G-A. GRCh37 (hg19) VCF-style: chr10-126090411-G-A.
Other names: c.901-3C>T (NM_001322965.2, NM_001322969.2, NM_001322966.2 and 4 more transcripts); c.487-3C>T (NM_001171814.2); c.301-3C>T (NM_001322974.2); c.580-3C>T (NM_001322971.2).
Identifiers: ClinVar variation 1356939 (VCV001356939.4), dbSNP rs371484835, ClinGen allele CA5733377.